The following is an entry in ClinVar:

NM_138409.4(MRAP2):c.222C>G (p.His74Gln)

Gene: MRAP2 (melanocortin 2 receptor accessory protein 2; plus strand). Cytogenetic location: 6q14.2.
Variant type: single nucleotide variant.
Coding change: c.222C>G on transcript NM_138409.4 (MANE Select); coding-DNA position 222, C replaced by G.
Protein change: p.His74Gln; replaces histidine 74 with glutamine.
Molecular consequence: missense variant. On other transcripts: 5 prime UTR variant (1), intron variant (1).
Genome position (GRCh38, 1-based): chr6:84,062,987, C>G. VCF-style: chr6-84062987-C-G. GRCh37 (hg19) VCF-style: chr6-84772706-C-G.
Other names: c.222C>G, p.His74Gln (NM_001346542.2, NM_001346544.2); c.-38C>G (NM_001346543.2); c.-32+7542C>G (NM_001346541.2); c.222C>G (NM_138409.3); short protein forms H74Q.
Identifiers: ClinVar variation 2338003 (VCV002338003.3), dbSNP rs763511070, ClinGen allele CA141976770.

ClinVar aggregate classification (germline): Uncertain significance. Review status: criteria provided, multiple submitters, no conflicts (2 of 4 stars). 2 submissions from 2 submitters: Uncertain significance (2). Last evaluated 2025-10-23.

Conditions:
MRAP2-related disorder. Also called: MRAP2-related condition.

Allele frequency attached by ClinVar (database versions not stated): gnomAD exomes 0.00001; TOPMed 0.00001.
gnomAD v4.1: 10 of 1,614,126 alleles (0.00062%); highest among the groups gnomAD compares: Non-Finnish European, 0.00085%; no homozygotes.

Submissions (2):

PreventionGenetics, part of Exact Sciences
Classification: Uncertain significance for MRAP2-related condition. Last evaluated: 2025-10-23. Review status: criteria provided, single submitter. Criteria: ACMG Guidelines, 2015. Collection method: clinical testing. Allele origin: germline.
Comment: The MRAP2 c.222C>G variant is predicted to result in the amino acid substitution p.His74Gln. To our knowledge, this variant has not been reported in the literature. This variant is reported in 0.00088% of alleles in individuals of European (Non-Finnish) descent in gnomAD. At this time, the clinical significance of this variant is uncertain due to the absence of conclusive functional and genetic evidence.

Ambry Genetics
Classification: Uncertain significance. Last evaluated: 2022-12-23. Review status: criteria provided, single submitter. Criteria: Ambry Variant Classification Scheme 2023. Collection method: clinical testing. Allele origin: germline.